The following is an entry in ClinVar:

NM_000379.4(XDH):c.1737C>G (p.Pro579=)

Gene: XDH (xanthine dehydrogenase; minus strand). Cytogenetic location: 2p23.1.
Variant type: single nucleotide variant.
Coding change: c.1737C>G on transcript NM_000379.4 (MANE Select); coding-DNA position 1737, C replaced by G.
Protein change: p.Pro579=; no amino-acid change (proline 579 retained).
Molecular consequence: synonymous variant.
Genome position (GRCh38, 1-based): chr2:31,372,347, G>C on the plus strand (C>G on the coding strand, the complement: XDH is on the minus strand). VCF-style: chr2-31372347-G-C. GRCh37 (hg19) VCF-style: chr2-31595213-G-C.
Other names: c.1737C>G (NM_000379.3).
Identifiers: ClinVar variation 1558585 (VCV001558585.9), dbSNP rs376148012, ClinGen allele CA425446721.

ClinVar aggregate classification (germline): Likely benign. Review status: criteria provided, multiple submitters, no conflicts (2 of 4 stars). 2 submissions from 2 submitters: Likely benign (2). Last evaluated 2026-01-21.

Conditions:
XDH-related disorder. Also called: XDH-related condition.
Xanthinuria type II. Also called: Xanthine dehydrogenase and aldehyde oxidase combined deficiency of; XDH and AOX dual deficiency. Identifiers: Orphanet 3467, Orphanet 93602, MedGen C1863688, MONDO:0011346, OMIM 603592.

Allele frequency attached by ClinVar (database versions not stated): gnomAD 0.00001.
gnomAD v4.1: 8 of 1,614,054 alleles (0.0005%); highest among the groups gnomAD compares: African/African-American, 0.0027%; no homozygotes.

Submissions (2):

PreventionGenetics, part of Exact Sciences
Classification: Likely benign for XDH-related condition. Last evaluated: 2026-01-21. Review status: criteria provided, single submitter. Criteria: ACMG Guidelines, 2015. Collection method: clinical testing. Allele origin: germline.
Comment: This variant is classified as likely benign based on ACMG/AMP sequence variant interpretation guidelines (Richards et al. 2015 PMID: 25741868, with internal and published modifications).

Labcorp Genetics (formerly Invitae), Labcorp
Classification: Likely benign for Xanthinuria type II. Last evaluated: 2021-09-21. Review status: criteria provided, single submitter. Criteria: Invitae Variant Classification Sherloc (09022015). Collection method: clinical testing. Allele origin: germline.